The following is an entry in ClinVar:

NM_001793.6(CDH3):c.520G>A (p.Asp174Asn)

Gene: CDH3 (cadherin 3; plus strand). Cytogenetic location: 16q22.1.
Variant type: single nucleotide variant.
Coding change: c.520G>A on transcript NM_001793.6 (MANE Select); coding-DNA position 520, G replaced by A.
Protein change: p.Asp174Asn; replaces aspartic acid 174 with asparagine.
Molecular consequence: missense variant.
Genome position (GRCh38, 1-based): chr16:68,678,630, G>A. VCF-style: chr16-68678630-G-A. GRCh37 (hg19) VCF-style: chr16-68712533-G-A.
Other names: c.520G>A, p.Asp174Asn (NM_001317195.3); c.355G>A, p.Asp119Asn (NM_001317196.2); short protein forms D119N, D174N.
Identifiers: ClinVar variation 1059853 (VCV001059853.7), dbSNP rs62057764, ClinGen allele CA283272297.

ClinVar aggregate classification (germline): Uncertain significance (1 of 4 stars; one submission).

Submission:

Labcorp Genetics (formerly Invitae), Labcorp
Classification: Uncertain significance. Last evaluated: 2020-03-11. Review status: criteria provided, single submitter. Criteria: Invitae Variant Classification Sherloc (09022015). Collection method: clinical testing. Allele origin: germline.
Comment: This sequence change replaces aspartic acid with asparagine at codon 174 of the CDH3 protein (p.Asp174Asn). The aspartic acid residue is highly conserved and there is a small physicochemical difference between aspartic acid and asparagine. This variant is not present in population databases (ExAC no frequency). This variant has not been reported in the literature in individuals with CDH3-related conditions. Algorithms developed to predict the effect of missense changes on protein structure and function are either unavailable or do not agree on the potential impact of this missense change (SIFT: "Not Available"; PolyPhen-2: "Possibly Damaging"; Align-GVGD: "Not Available"). In summary, the available evidence is currently insufficient to determine the role of this variant in disease. Therefore, it has been classified as a Variant of Uncertain Significance.